The following is an entry in ClinVar:

ClinVar aggregate classification (germline): Uncertain significance (1 of 4 stars; one submission).

Conditions:
Hereditary insensitivity to pain with anhidrosis (CIPA). Also called: hereditary sensory and autonomic neuropathy type 4; FAMILIAL DYSAUTONOMIA, TYPE II; HSAN Type IV; INSENSITIVITY TO PAIN, CONGENITAL, WITH ANHIDROSIS; NTRK1 Congenital Insensitivity to Pain with Anhidrosis; NEUROPATHY, CONGENITAL SENSORY, WITH ANHIDROSIS. Identifiers: Orphanet 642, MedGen C0020074, MONDO:0009746, OMIM 256800.

Submission:

Labcorp Genetics (formerly Invitae), Labcorp
Classification: Uncertain significance for Hereditary insensitivity to pain with anhidrosis. Last evaluated: 2019-11-25. Review status: criteria provided, single submitter. Criteria: Invitae Variant Classification Sherloc (09022015). Collection method: clinical testing. Allele origin: germline.
Comment: This sequence change replaces proline with glutamine at codon 488 of the NTRK1 protein (p.Pro488Gln). The proline residue is highly conserved and there is a moderate physicochemical difference between proline and glutamine. This variant is not present in population databases (ExAC no frequency). This variant has not been reported in the literature in individuals with NTRK1-related conditions. Algorithms developed to predict the effect of missense changes on protein structure and function (SIFT, PolyPhen-2, Align-GVGD) all suggest that this variant is likely to be disruptive, but these predictions have not been confirmed by published functional studies and their clinical significance is uncertain. In summary, the available evidence is currently insufficient to determine the role of this variant in disease. Therefore, it has been classified as a Variant of Uncertain Significance.

NM_002529.4(NTRK1):c.1481C>A (p.Pro494Gln)

Gene: NTRK1 (neurotrophic receptor tyrosine kinase 1; plus strand). Cytogenetic location: 1q23.1.
Variant type: single nucleotide variant.
Coding change: c.1481C>A on transcript NM_002529.4 (MANE Select); coding-DNA position 1481, C replaced by A.
Protein change: p.Pro494Gln; replaces proline 494 with glutamine.
Molecular consequence: missense variant.
Genome position (GRCh38, 1-based): chr1:156,875,646, C>A. VCF-style: chr1-156875646-C-A. GRCh37 (hg19) VCF-style: chr1-156845438-C-A.
Other names: c.1373C>A, p.Pro458Gln (NM_001007792.1); c.1463C>A, p.Pro488Gln (NM_001012331.2); short protein forms P494Q, P458Q, P488Q.
Identifiers: ClinVar variation 864057 (VCV000864057.1), dbSNP rs750349933, ClinGen allele CA342937614.
Genomic context (GRCh38, chr1:156,875,646, plus strand): 5'-GCTCCCTGTCCCCCACCGAGGGCAAAGGCTCTGGGCTCCAAGGCCACATCATCGAGAACC[C>A]ACAATACTTCAGTGATGCCTGTGAGGGGCTATGCTGGGTCAAGGGCAGGGACGAGTGTGT-3'
Protein context (NP_002520.2, residues 484-504): SGLQGHIIEN[Pro494Gln]QYFSDACVHH